The following is an entry in ClinVar:

ClinVar aggregate classification (germline): Uncertain significance. Review status: criteria provided, multiple submitters, no conflicts (2 of 4 stars). 2 submissions from 2 submitters: Uncertain significance (2). Last evaluated 2022-09-08.

Allele frequency attached by ClinVar (database versions not stated): gnomAD exomes below 0.00001; TOPMed below 0.00001; ExAC 0.00001; gnomAD 0.00001.
gnomAD v4.1: 6 of 1,613,872 alleles (0.00037%); highest among the groups gnomAD compares: African/African-American, 0.0013%; no homozygotes.

Submissions (2):

GeneDx
Classification: Uncertain significance. Last evaluated: 2022-09-08. Review status: criteria provided, single submitter. Criteria: GeneDx Variant Classification Process June 2021. Collection method: clinical testing. Allele origin: germline. Affected: yes.
Comment: In silico analysis supports that this missense variant has a deleterious effect on protein structure/function; Not observed at significant frequency in large population cohorts (gnomAD); Has not been previously published as pathogenic or benign to our knowledge

Blueprint Genetics
Classification: Uncertain significance. Last evaluated: 2021-11-03. Review status: criteria provided, single submitter. Criteria: ACMG Guidelines, 2015. Collection method: clinical testing. Allele origin: germline.

NM_006415.4(SPTLC1):c.449A>G (p.Asp150Gly)

Gene: SPTLC1 (serine palmitoyltransferase long chain base subunit 1; minus strand). Cytogenetic location: 9q22.31.
Variant type: single nucleotide variant.
Coding change: c.449A>G on transcript NM_006415.4 (MANE Select); coding-DNA position 449, A replaced by G.
Protein change: p.Asp150Gly; replaces aspartic acid 150 with glycine.
Molecular consequence: missense variant. On other transcripts: 5 prime UTR variant (1).
Genome position (GRCh38, 1-based): chr9:92,068,077, T>C on the plus strand (A>G on the coding strand, the complement: SPTLC1 is on the minus strand). VCF-style: chr9-92068077-T-C. GRCh37 (hg19) VCF-style: chr9-94830359-T-C.
Other names: c.449A>G, p.Asp150Gly (NM_001281303.2); c.83A>G, p.Asp28Gly (NM_001368272.1); c.-17A>G (NM_001368273.1); short protein forms D150G, D28G.
Identifiers: ClinVar variation 1704982 (VCV001704982.3), dbSNP rs771628352, ClinGen allele CA5121542.